The following is an entry in ClinVar:

NM_000168.6(GLI3):c.4240C>T (p.Gln1414Ter)

Gene: GLI3 (GLI family zinc finger 3; minus strand). Cytogenetic location: 7p14.1.
Variant type: single nucleotide variant.
Coding change: c.4240C>T on transcript NM_000168.6 (MANE Select); coding-DNA position 4240, C replaced by T.
Protein change: p.Gln1414Ter; replaces glutamine 1414 with a stop codon.
Molecular consequence: nonsense.
Genome position (GRCh38, 1-based): chr7:41,964,833, G>A on the plus strand (C>T on the coding strand, the complement: GLI3 is on the minus strand). VCF-style: chr7-41964833-G-A. GRCh37 (hg19) VCF-style: chr7-42004431-G-A.
Other names: short protein forms Q1414*.
Identifiers: ClinVar variation 3359585 (VCV003359585.1).

ClinVar aggregate classification (germline): Pathogenic (1 of 4 stars; one submission).

Submission:

GeneDx
Classification: Pathogenic. Last evaluated: 2024-04-01. Review status: criteria provided, single submitter. Criteria: GeneDx Variant Classification Process June 2021. Collection method: clinical testing. Allele origin: germline. Affected: yes.
Comment: Nonsense variant predicted to result in protein truncation, as the last 167 amino acids are lost, and other loss-of-function variants have been reported downstream in HGMD; Not observed at significant frequency in large population cohorts (gnomAD); Identified in two related individuals with features of Greig cephalopolysyndactyly syndrome in the published literature (PMID: 20672375); This variant is associated with the following publications: (PMID: 20672375)